The following is an entry in ClinVar:

ClinVar aggregate classification (germline): Conflicting classifications of pathogenicity. Review status: criteria provided, conflicting classifications (1 of 4 stars). 5 submissions from 5 submitters: Uncertain significance (4); Benign (1). Last evaluated 2026-04-07.

Conditions:
Ellis-van Creveld syndrome (EVC). Also called: Chondroectodermal dysplasia; MESOECTODERMAL DYSPLASIA. Identifiers: Orphanet 289, MedGen C0013903, MONDO:0009162, OMIM 225500.
Curry-Hall syndrome (WAD). Also called: WEYERS ACRODENTAL DYSOSTOSIS. Identifiers: Orphanet 952, MedGen C0457013, MONDO:0008673, OMIM 193530.
EVC-related disorder. Also called: EVC-related condition; EVC-related disorders.
Inborn genetic diseases. Identifiers: MedGen C0950123, MeSH D030342.

Allele frequency attached by ClinVar (database versions not stated): gnomAD 0.00023; TOPMed 0.00029.
gnomAD v4.1: 49 of 1,070,884 alleles (0.0046%); highest among the groups gnomAD compares: African/African-American, 0.078%; no homozygotes.

Submissions (5):

Women's Health and Genetics/Laboratory Corporation of America, LabCorp
Classification: Uncertain significance. Last evaluated: 2026-04-07. Review status: criteria provided, single submitter. Criteria: LabCorp Variant Classification Summary - May 2015. Collection method: clinical testing. Allele origin: germline.
Comment: Variant summary: EVC c.91G>A (p.Ala31Thr) results in a non-conservative amino acid change in the encoded protein sequence. Algorithms developed to predict the effect of missense changes on protein structure and function are either unavailable or do not agree on the potential impact of this missense change. The variant allele was found at a frequency of 4.6e-05 in 1070884 control chromosomes. This frequency is not significantly higher than estimated for disease-causing variants in EVC, allowing no conclusion about variant significance. To our knowledge, no occurrence of c.91G>A in individuals affected with EVC-related conditions and no experimental evidence demonstrating its impact on protein function have been reported. ClinVar contains an entry for this variant (Variation ID: 2137599). Based on the evidence outlined above, the variant was classified as uncertain significance.

PreventionGenetics, part of Exact Sciences
Classification: Uncertain significance for EVC-related condition. Last evaluated: 2025-07-18. Review status: criteria provided, single submitter. Criteria: ACMG Guidelines, 2015. Collection method: clinical testing. Allele origin: germline.
Comment: The EVC c.91G>A variant is predicted to result in the amino acid substitution p.Ala31Thr. To our knowledge, this variant has not been reported in the literature. This variant is reported in 0.061% of alleles in individuals of African descent in gnomAD. Although we suspect that this variant may be benign, at this time, the clinical significance of this variant is uncertain due to the absence of conclusive functional and genetic evidence.

Labcorp Genetics (formerly Invitae), Labcorp
Classification: Benign for Curry-Hall syndrome; Ellis-van Creveld syndrome. Last evaluated: 2025-06-03. Review status: criteria provided, single submitter. Criteria: Invitae Variant Classification Sherloc (09022015). Collection method: clinical testing. Allele origin: germline.

GeneDx
Classification: Uncertain significance. Last evaluated: 2024-10-14. Review status: criteria provided, single submitter. Criteria: GeneDx Variant Classification Process June 2021. Collection method: clinical testing. Allele origin: germline. Affected: yes.
Comment: In silico analysis indicates that this missense variant does not alter protein structure/function; Has not been previously published as pathogenic or benign to our knowledge

Ambry Genetics
Classification: Uncertain significance for Inborn genetic diseases. Last evaluated: 2021-07-06. Review status: criteria provided, single submitter. Criteria: Ambry Variant Classification Scheme 2023. Collection method: clinical testing. Allele origin: germline.

NM_153717.3(EVC):c.91G>A (p.Ala31Thr)

Gene: EVC (EvC ciliary complex subunit 1; plus strand). Cytogenetic location: 4p16.2.
Variant type: single nucleotide variant.
Coding change: c.91G>A on transcript NM_153717.3 (MANE Select); coding-DNA position 91, G replaced by A.
Protein change: p.Ala31Thr; replaces alanine 31 with threonine.
Molecular consequence: missense variant.
Genome position (GRCh38, 1-based): chr4:5,711,471, G>A. VCF-style: chr4-5711471-G-A. GRCh37 (hg19) VCF-style: chr4-5713198-G-A.
Other names: c.91G>A, p.Ala31Thr (NM_001306090.2, NM_001306092.2); c.91G>A (NM_153717.2); short protein forms A31T.
Identifiers: ClinVar variation 2137599 (VCV002137599.8), dbSNP rs952757087, ClinGen allele CA91734938.